The following is an entry in ClinVar:

NM_000089.4(COL1A2):c.3786C>G (p.Asn1262Lys)

Gene: COL1A2 (collagen type I alpha 2 chain; plus strand). Cytogenetic location: 7q21.3.
Variant type: single nucleotide variant.
Coding change: c.3786C>G on transcript NM_000089.4 (MANE Select); coding-DNA position 3786, C replaced by G.
Protein change: p.Asn1262Lys; replaces asparagine 1262 with lysine.
Molecular consequence: missense variant.
Genome position (GRCh38, 1-based): chr7:94,429,262, C>G. VCF-style: chr7-94429262-C-G. GRCh37 (hg19) VCF-style: chr7-94058574-C-G.
Other names: short protein forms N1262K.
Identifiers: ClinVar variation 4005103 (VCV004005103.1).

ClinVar aggregate classification (germline): Uncertain significance (1 of 4 stars; one submission).

Conditions:
Cardiovascular phenotype. Identifiers: MedGen CN230736.

gnomAD v4.1: 7 of 1,613,920 alleles (0.00043%); highest among the groups gnomAD compares: Non-Finnish European, 0.00059%; no homozygotes.

Submission:

Ambry Genetics
Classification: Uncertain significance for Cardiovascular phenotype. Last evaluated: 2025-05-25. Review status: criteria provided, single submitter. Criteria: Ambry Variant Classification Scheme 2023. Collection method: clinical testing. Allele origin: germline.
Comment: The p.N1262K variant (also known as c.3786C>G), located in coding exon 51 of the COL1A2 gene, results from a C to G substitution at nucleotide position 3786. The asparagine at codon 1262 is replaced by lysine, an amino acid with similar properties. This amino acid position is highly conserved in available vertebrate species. In addition, this alteration is predicted to be tolerated by in silico analysis. Based on the available evidence, the clinical significance of this variant remains unclear.